The following is an entry in ClinVar:

NM_001035.3(RYR2):c.8838C>T (p.Gly2946=)

Gene: RYR2 (ryanodine receptor 2; plus strand). Cytogenetic location: 1q43.
Variant type: single nucleotide variant.
Coding change: c.8838C>T on transcript NM_001035.3 (MANE Select); coding-DNA position 8838, C replaced by T.
Protein change: p.Gly2946=; no amino-acid change (glycine 2946 retained).
Molecular consequence: synonymous variant.
Genome position (GRCh38, 1-based): chr1:237,678,055, C>T. VCF-style: chr1-237678055-C-T. GRCh37 (hg19) VCF-style: chr1-237841355-C-T.
Identifiers: ClinVar variation 745384 (VCV000745384.16), dbSNP rs758912397, ClinGen allele CA087749.
Genomic context (GRCh38, chr1:237,678,055, plus strand): 5'-ATCTTGCAATGTTTCCAGTGCAGCATTTACCTAAAAACTCTTCAAATCTACAGATGGTGG[C>T]AGCAGAGGCAAAGGAGAACATTTCCCTTATGAACAAGAAATCAAGTTCTTTGCAAAAGTA-3'
Protein context (NP_001026.2, residues 2936-2956): AHQYILEFDG[Gly2946=]SRGKGEHFPY

ClinVar aggregate classification (germline): Conflicting classifications of pathogenicity. Review status: criteria provided, conflicting classifications (1 of 4 stars). 4 submissions from 4 submitters: Uncertain significance (1); Likely benign (3). Last evaluated 2023-12-13.

Conditions:
Cardiovascular phenotype. Identifiers: MedGen CN230736.
Catecholaminergic polymorphic ventricular tachycardia (CVPT). Also called: Catecholamine-induced polymorphic ventricular tachycardia. Identifiers: Orphanet 3286, MedGen C5574922, MONDO:0017990.
Catecholaminergic polymorphic ventricular tachycardia 1. Also called: RYR2-Related Catecholaminergic Polymorphic Ventricular Tachycardia; VENTRICULAR TACHYCARDIA, STRESS-INDUCED POLYMORPHIC 1; VENTRICULAR TACHYCARDIA, CATECHOLAMINERGIC POLYMORPHIC, 1, WITH OR WITHOUT ATRIAL DYSFUNCTION AND/OR DILATED CARDIOMYOPATHY. Identifiers: Orphanet 3286, MedGen C1631597, MONDO:0011484, OMIM 604772.
Cardiomyopathy (CMYO). Also called: Cardiomyopathies. Identifiers: Orphanet 167848, MedGen C0878544, MONDO:0004994, HP:0001638. Inheritance: Various modes of inheritance.

Allele frequency attached by ClinVar (database versions not stated): gnomAD exomes below 0.00001; ExAC 0.00001; TOPMed 0.00002.
gnomAD v4.1: 2 of 1,598,406 alleles (0.00013%); highest among the groups gnomAD compares: Non-Finnish European, 0.00017%; no homozygotes.

Submissions (4):

All of Us Research Program, National Institutes of Health
Classification: Likely benign for Catecholaminergic polymorphic ventricular tachycardia. Last evaluated: 2023-12-13. Review status: criteria provided, single submitter. Criteria: ACMG Guidelines, 2015. Collection method: clinical testing. Allele origin: germline. Inheritance: Autosomal dominant inheritance. Observed: 1 variant allele, 1 heterozygote.
Comment: This study involves interpretation of variants in research participants for the purpose of population health screening. Participant phenotype was not available at the time of variant classification. Additional details can be found in publication PMID: 35346344, PMCID: PMC8962531

Color Diagnostics, LLC DBA Color Health
Classification: Likely benign for Cardiomyopathy. Last evaluated: 2023-08-31. Review status: criteria provided, single submitter. Criteria: ACMG Guidelines, 2015. Collection method: clinical testing. Allele origin: germline.

Labcorp Genetics (formerly Invitae), Labcorp
Classification: Likely benign for Catecholaminergic polymorphic ventricular tachycardia 1. Last evaluated: 2023-03-15. Review status: criteria provided, single submitter. Criteria: Invitae Variant Classification Sherloc (09022015). Collection method: clinical testing. Allele origin: germline.

Ambry Genetics
Classification: Uncertain significance for Cardiovascular phenotype. Last evaluated: 2020-10-14. Review status: criteria provided, single submitter. Criteria: Ambry Variant Classification Scheme 2023. Collection method: clinical testing. Allele origin: germline.
Comment: The c.8838C>T variant (also known as p.G2946G), located in coding exon 61 of the RYR2 gene, results from a C to T substitution at nucleotide position 8838. This nucleotide substitution does not change the at codon 2946. This nucleotide position is well conserved in available vertebrate species. In silico splice site analysis for this alteration is inconclusive. Since supporting evidence is limited at this time, the clinical significance of this alteration remains unclear.